The following is an entry in ClinVar:

ClinVar aggregate classification (germline): Uncertain significance (1 of 4 stars; one submission).

Submission:

Dasa
Classification: Uncertain significance. Last evaluated: 2026-01-15. Review status: criteria provided, single submitter. Criteria: DASA Assertion Criteria. Collection method: clinical testing. Allele origin: germline.
Comment: NM_032119.4(ADGRV1):c.9026A>G (p.Tyr3009Cys) is a missense variant that results in the substitution of tyrosine with cysteine. This variant is rare in population databases. The currently available literature and clinical evidence are not sufficient to establish a definitive association between this variant and the reported condition. Therefore, this variant is classified as a variant of uncertain significance.

NM_032119.4(ADGRV1):c.9026A>G (p.Tyr3009Cys)

Gene: ADGRV1 (adhesion G protein-coupled receptor V1; plus strand). Cytogenetic location: 5q14.3.
Variant type: single nucleotide variant.
Coding change: c.9026A>G on transcript NM_032119.4 (MANE Select); coding-DNA position 9026, A replaced by G.
Protein change: p.Tyr3009Cys; replaces tyrosine 3009 with cysteine.
Molecular consequence: missense variant. On other transcripts: non-coding transcript variant (1).
Genome position (GRCh38, 1-based): chr5:90,711,306, A>G. VCF-style: chr5-90711306-A-G. GRCh37 (hg19) VCF-style: chr5-90007123-A-G.
Other names: short protein forms Y3009C.
Identifiers: ClinVar variation 4881012 (VCV004881012.2).